The following is an entry in ClinVar:

ClinVar aggregate classification (germline): Uncertain significance. Review status: criteria provided, multiple submitters, no conflicts (2 of 4 stars). 2 submissions from 2 submitters: Uncertain significance (2). Last evaluated 2025-12-30.

gnomAD v4.1: 2 of 1,614,098 alleles (0.00012%); highest among the groups gnomAD compares: Non-Finnish European, 0.00017%; no homozygotes.

Submissions (2):

Women's Health and Genetics/Laboratory Corporation of America, LabCorp
Classification: Uncertain significance. Last evaluated: 2025-12-30. Review status: criteria provided, single submitter. Criteria: LabCorp Variant Classification Summary - May 2015. Collection method: clinical testing. Allele origin: germline.
Comment: Variant summary: KAT6A c.3274G>A (p.Asp1092Asn) results in a conservative amino acid change in the encoded protein sequence. Algorithms developed to predict the effect of missense changes on protein structure and function all suggest that this variant is likely to be tolerated. The variant was absent in 251436 control chromosomes. The available data on variant occurrences in the general population are insufficient to allow any conclusion about variant significance. To our knowledge, no occurrence of c.3274G>A in individuals affected with KAT6A-related conditions and no experimental evidence demonstrating its impact on protein function have been reported. ClinVar contains an entry for this variant (Variation ID: 3768848). Based on the evidence outlined above, the variant was classified as uncertain significance.

Labcorp Genetics (formerly Invitae), Labcorp
Classification: Uncertain significance. Last evaluated: 2025-11-15. Review status: criteria provided, single submitter. Criteria: Invitae Variant Classification Sherloc (09022015). Collection method: clinical testing. Allele origin: germline.
Comment: This sequence change replaces aspartic acid, which is acidic and polar, with asparagine, which is neutral and polar, at codon 1092 of the KAT6A protein (p.Asp1092Asn). This variant is not present in population databases (gnomAD no frequency). This variant has not been reported in the literature in individuals affected with KAT6A-related conditions. ClinVar contains an entry for this variant (Variation ID: 3768848). Invitae Evidence Modeling of protein sequence and biophysical properties (such as structural, functional, and spatial information, amino acid conservation, physicochemical variation, residue mobility, and thermodynamic stability) indicates that this missense variant is not expected to disrupt KAT6A protein function with a negative predictive value of 95%. In summary, the available evidence is currently insufficient to determine the role of this variant in disease. Therefore, it has been classified as a Variant of Uncertain Significance.

NM_006766.5(KAT6A):c.3274G>A (p.Asp1092Asn)

Gene: KAT6A (lysine acetyltransferase 6A; minus strand). Cytogenetic location: 8p11.21.
Variant type: single nucleotide variant.
Coding change: c.3274G>A on transcript NM_006766.5 (MANE Select); coding-DNA position 3274, G replaced by A.
Protein change: p.Asp1092Asn; replaces aspartic acid 1092 with asparagine.
Molecular consequence: missense variant.
Genome position (GRCh38, 1-based): chr8:41,937,334, C>T on the plus strand (G>A on the coding strand, the complement: KAT6A is on the minus strand). VCF-style: chr8-41937334-C-T. GRCh37 (hg19) VCF-style: chr8-41794852-C-T.
Other names: short protein forms D1092N.
Identifiers: ClinVar variation 3768848 (VCV003768848.3).
Genomic context (GRCh38, chr8:41,937,334, plus strand): 5'-CTTCATCTTCTTCTTCATCTTTAGACTTCCTCTTAGAAGAGGACTGACACCTGAGTACAT[C>T]CTGCGAAGACAAACGACGGAAGTATTCTCTAGGGAAAAGTTCATTTTCATCCTCTTCCTC-3'
Protein context (NP_006757.2, residues 1082-1102): REYFRRLSSQ[Asp1092Asn]VLRCQSSSKR